The following is an entry in ClinVar:

ClinVar aggregate classification (germline): Pathogenic (1 of 4 stars; one submission).

Conditions:
Congenital myotonia, autosomal recessive form. Also called: BECKER DISEASE; Becker Generalized Myotonia; myotonia congenita, autosomal recessive. Identifiers: Orphanet 614, MedGen C0751360, MONDO:0009715, OMIM 255700.
Congenital myotonia, autosomal dominant form (THD). Also called: THOMSEN DISEASE; Myotonia congenita autosomal dominant. Identifiers: Orphanet 614, MedGen C2936781, MONDO:0008055, OMIM 160800.

Submission:

Labcorp Genetics (formerly Invitae), Labcorp
Classification: Pathogenic for Congenital myotonia, autosomal recessive form; Congenital myotonia, autosomal dominant form. Last evaluated: 2021-04-04. Review status: criteria provided, single submitter. Criteria: Invitae Variant Classification Sherloc (09022015). Collection method: clinical testing. Allele origin: germline.
Comment: This sequence change creates a premature translational stop signal (p.Gln597Hisfs*9) in the CLCN1 gene. It is expected to result in an absent or disrupted protein product. Loss-of-function variants in CLCN1 are known to be pathogenic (PMID: 17932099, 22094069, 23739125). For these reasons, this variant has been classified as Pathogenic. This variant has not been reported in the literature in individuals with CLCN1-related conditions. This variant is not present in population databases (ExAC no frequency).

Literature cited by the submitters: PubMed 17932099; PubMed 22094069; PubMed 23739125.

NM_000083.3(CLCN1):c.1791_1792del (p.Gln597fs)

Gene: CLCN1 (chloride voltage-gated channel 1; plus strand). Cytogenetic location: 7q34.
Variant type: Deletion.
Coding change: c.1791_1792del on transcript NM_000083.3 (MANE Select); coding-DNA positions 1791 to 1792, 2 bases deleted (GC; older notation c.1791_1792delGC).
Protein change: p.Gln597fs; shifts the reading frame from glutamine 597.
Molecular consequence: frameshift variant. On other transcripts: non-coding transcript variant (1).
Genome position (GRCh38, 1-based): chr7:143,342,137-143,342,138, GC deleted. VCF-style (leftmost placement, unchanged base first): chr7-143342136-AGC-A. GRCh37 (hg19) VCF-style: chr7-143039229-AGC-A.
Other names: short protein forms Q597fs.
Identifiers: ClinVar variation 1393878 (VCV001393878.6), dbSNP rs2116373517, ClinGen allele CA2573141807.
Genomic context (GRCh38, chr7:143,342,136, plus strand): 5'-TCTATGACAGCATCATCCAGGTCAAGAAGCTACCCTACTTGCCTGACCTTGGCTGGAACC[AGC>A]TCAGGTCAGGGGCACTAGACGGAATTAGTTCAGATCTGATGGGGAGAGTGGGAGGTTCTG-3'